The following is an entry in ClinVar:

NM_002470.4(MYH3):c.1286C>G (p.Ser429Ter)

Gene: MYH3 (myosin heavy chain 3; minus strand). Cytogenetic location: 17p13.1.
Variant type: single nucleotide variant.
Coding change: c.1286C>G on transcript NM_002470.4 (MANE Select); coding-DNA position 1286, C replaced by G.
Protein change: p.Ser429Ter; replaces serine 429 with a stop codon.
Molecular consequence: nonsense.
Genome position (GRCh38, 1-based): chr17:10,644,475, G>C on the plus strand (C>G on the coding strand, the complement: MYH3 is on the minus strand). VCF-style: chr17-10644475-G-C. GRCh37 (hg19) VCF-style: chr17-10547792-G-C.
Other names: short protein forms S429*.
Identifiers: ClinVar variation 2127637 (VCV002127637.4), dbSNP rs2508620380, ClinGen allele CA398175109.

ClinVar aggregate classification (germline): Pathogenic (1 of 4 stars; one submission).

Submission:

Labcorp Genetics (formerly Invitae), Labcorp
Classification: Pathogenic. Last evaluated: 2022-04-18. Review status: criteria provided, single submitter. Criteria: Invitae Variant Classification Sherloc (09022015). Collection method: clinical testing. Allele origin: germline.
Comment: This sequence change creates a premature translational stop signal (p.Ser429*) in the MYH3 gene. It is expected to result in an absent or disrupted protein product. Loss-of-function variants in MYH3 are known to be pathogenic (PMID: 29805041, 30008475). This variant is not present in population databases (gnomAD no frequency). This variant has not been reported in the literature in individuals affected with MYH3-related conditions. For these reasons, this variant has been classified as Pathogenic.

Literature cited by the submitters: PubMed 29805041; PubMed 30008475.